The following is an entry in ClinVar:

ClinVar aggregate classification (germline): Pathogenic. Review status: criteria provided, multiple submitters, no conflicts (2 of 4 stars). 2 submissions from 2 submitters: Pathogenic (2). Last evaluated 2024-04-19.

Conditions:
Asphyxiating thoracic dystrophy 3. Also called: SHORT-RIB THORACIC DYSPLASIA 3 WITH OR WITHOUT POLYDACTYLY; POLYDACTYLY WITH NEONATAL CHONDRODYSTROPHY, TYPE I; SHORT-RIB THORACIC DYSPLASIA 3/6 WITH POLYDACTYLY, DIGENIC; Short rib polydactyly syndrome 2B; Saldino-Noonan Syndrome. Identifiers: Orphanet 474, Orphanet 93269, Orphanet 93270, Orphanet 93271, MedGen C0036069, MONDO:0013127, OMIM 613091.
Jeune thoracic dystrophy. Also called: Jeune syndrome; Infantile thoracic dystrophy; Thoracic pelvic phalangeal dystrophy; Jeune's syndrome; Chondroectodermal dysplasia-like syndrome; Short-rib thoracic dysplasia. Identifiers: Orphanet 474, MedGen C0265275, MONDO:0018770.

Allele frequency attached by ClinVar (database versions not stated): gnomAD 0.00001; TOPMed below 0.00001; gnomAD exomes below 0.00001.
gnomAD v4.1: 8 of 1,613,118 alleles (0.0005%); highest among the groups gnomAD compares: South Asian, 0.0011%; no homozygotes.

Submissions (2):

Myriad Genetics, Inc.
Classification: Pathogenic for Asphyxiating thoracic dystrophy 3. Last evaluated: 2024-04-19. Review status: criteria provided, single submitter. Criteria: Myriad Autosomal Dominant, Autosomal Recessive and X-Linked Classification Criteria (2023). Collection method: clinical testing. Allele origin: unknown.
Comment: NM_001377.2(DYNC2H1):c.6973C>T(R2325*) is expected to be pathogenic in the context of DYNC2H1-related disorders. This variant is predicted to lead to an abnormal or absent protein product due to the creation of a premature termination codon in DYNC2H1, a gene where loss-of-function variants are known to be pathogenic. Please note: this variant was assessed in the context of healthy population screening.

Labcorp Genetics (formerly Invitae), Labcorp
Classification: Pathogenic for Jeune thoracic dystrophy. Last evaluated: 2023-08-24. Review status: criteria provided, single submitter. Criteria: Invitae Variant Classification Sherloc (09022015). Collection method: clinical testing. Allele origin: germline.
Comment: This variant is present in population databases (no rsID available, gnomAD 0.0009%). For these reasons, this variant has been classified as Pathogenic. This variant has not been reported in the literature in individuals affected with DYNC2H1-related conditions. This sequence change creates a premature translational stop signal (p.Arg2325*) in the DYNC2H1 gene. It is expected to result in an absent or disrupted protein product. Loss-of-function variants in DYNC2H1 are known to be pathogenic (PMID: 23339108, 32753734, 33755199).

Literature cited by the submitters: PubMed 23339108 (cited by Labcorp Genetics (formerly Invitae), Labcorp); PubMed 32753734 (cited by Labcorp Genetics (formerly Invitae), Labcorp); PubMed 33755199 (cited by Labcorp Genetics (formerly Invitae), Labcorp).

NM_001377.3(DYNC2H1):c.6973C>T (p.Arg2325Ter)

Gene: DYNC2H1 (dynein cytoplasmic 2 heavy chain 1; plus strand). Cytogenetic location: 11q22.3.
Variant type: single nucleotide variant.
Coding change: c.6973C>T on transcript NM_001377.3 (MANE Select); coding-DNA position 6973, C replaced by T.
Protein change: p.Arg2325Ter; replaces arginine 2325 with a stop codon.
Molecular consequence: nonsense.
Genome position (GRCh38, 1-based): chr11:103,187,419, C>T. VCF-style: chr11-103187419-C-T. GRCh37 (hg19) VCF-style: chr11-103058148-C-T.
Other names: c.6973C>T, p.Arg2325Ter (NM_001080463.2); short protein forms R2325*.
Identifiers: ClinVar variation 2889476 (VCV002889476.4), dbSNP rs1402847477, ClinGen allele CA382251664.